The following is an entry in ClinVar:

NM_000256.3(MYBPC3):c.1090+1G>A

Gene: MYBPC3 (myosin binding protein C3; minus strand). Cytogenetic location: 11p11.2.
Variant type: single nucleotide variant.
Coding change: c.1090+1G>A on transcript NM_000256.3 (MANE Select); the canonical splice donor site of the intron after coding-DNA position 1090, G replaced by A.
Molecular consequence: splice donor variant.
Genome position (GRCh38, 1-based): chr11:47,346,206, C>T on the plus strand (G>A on the coding strand, the complement: MYBPC3 is on the minus strand). VCF-style: chr11-47346206-C-T. GRCh37 (hg19) VCF-style: chr11-47367757-C-T.
Identifiers: ClinVar variation 177668 (VCV000177668.23), dbSNP rs727504269, ClinGen allele CA009749.

ClinVar aggregate classification (germline): Pathogenic. Review status: criteria provided, multiple submitters, no conflicts (2 of 4 stars). 8 submissions from 8 submitters: Pathogenic (5). 3 of the submissions do not count toward it. Last evaluated 2026-02-03.

Conditions:
Cardiovascular phenotype. Identifiers: MedGen CN230736.
Hypertrophic cardiomyopathy 4. Also called: Familial hypertrophic cardiomyopathy 4. Identifiers: MedGen C1861862, MONDO:0007268, OMIM 115197.
Hypertrophic cardiomyopathy. Also called: HYPERTROPHIC MYOCARDIOPATHY. Identifiers: Orphanet 217569, MedGen C0007194, MeSH D002312, MONDO:0005045, HP:0001639.

Allele frequency attached by ClinVar (database versions not stated): gnomAD exomes below 0.00001.
gnomAD v4.1: 1 of 1,613,746 alleles (0.000062%); highest among the groups gnomAD compares: Non-Finnish European, 0.000085%; no homozygotes.

Submissions (8):

GeneDx
Classification: Pathogenic. Last evaluated: 2026-02-03. Review status: criteria provided, single submitter. Criteria: GeneDx Variant Classification Process June 2021. Collection method: clinical testing. Allele origin: germline. Affected: yes.
Comment: Reported previously in patients with HCM (PMID: 27532257, 33407484, 33658040, 16858239); Canonical splice site variant predicted to result in a null allele in a gene for which loss of function is a known mechanism of disease; Not observed at significant frequency in large population cohorts (gnomAD); This variant is associated with the following publications: (PMID: 27532257, 25525159, 33658040, 37652022, 33407484, 16858239, 34076677)

3billion
Classification: Pathogenic for Hypertrophic cardiomyopathy 4. Last evaluated: 2025-09-25. Review status: criteria provided, single submitter. Criteria: ACMG Guidelines, 2015. Collection method: clinical testing. Allele origin: germline. Affected: yes.
Comment: The variant is observed at an extremely low frequency in the gnomAD v4.1.0 dataset (total allele frequency: <0.001%). Predicted Consequence/Location: Canonical splice site: predicted to alter splicing and result in a loss or disruption of normal protein function. Multiple pathogenic loss-of-function variants are reported downstream of the variant. In silico tools predict the variant to alter splicing and produce an abnormal transcript [SpliceAI: 1.00 (spliceogenicity >=0.2, non-spliceogenicity <0.1)]. The variant has been reported at least twice as pathogenic with clinical assertions and evidence for the classification (ClinVar ID: VCV000177668 /PMID: 16858239 /3billion dataset). Therefore, this variant is classified as Pathogenic according to the recommendation of ACMG/AMP guideline.

Labcorp Genetics (formerly Invitae), Labcorp
Classification: Pathogenic for Hypertrophic cardiomyopathy. Last evaluated: 2024-12-23. Review status: criteria provided, single submitter. Criteria: Invitae Variant Classification Sherloc (09022015). Collection method: clinical testing. Allele origin: germline.
Comment: This sequence change affects a donor splice site in intron 12 of the MYBPC3 gene. It is expected to disrupt RNA splicing. Variants that disrupt the donor or acceptor splice site typically lead to a loss of protein function (PMID: 16199547), and loss-of-function variants in MYBPC3 are known to be pathogenic (PMID: 19574547). This variant is not present in population databases (gnomAD no frequency). Disruption of this splice site has been observed in individuals with hypertrophic cardiomyopathy (PMID: 16858239, 27532257). This variant is also known as IVS12+1G>A. ClinVar contains an entry for this variant (Variation ID: 177668). Algorithms developed to predict the effect of sequence changes on RNA splicing suggest that this variant may disrupt the consensus splice site. This variant disrupts the c.1090+1G nucleotide in the MYBPC3 gene. Other variant(s) that disrupt this nucleotide have been determined to be pathogenic (PMID: 22112859, 22989827, 26914223). This suggests that this nucleotide is clinically significant, and that variants that disrupt this position are likely to be disease-causing. For these reasons, this variant has been classified as Pathogenic.

Victorian Clinical Genetics Services, Murdoch Childrens Research Institute
Classification: Pathogenic for Hypertrophic cardiomyopathy 4. Last evaluated: 2022-02-02. Review status: criteria provided, single submitter. Criteria: ACMG Guidelines, 2015. Collection method: clinical testing. Allele origin: germline. Inheritance: Autosomal dominant inheritance. Affected: yes.
Comment: Based on the classification scheme VCGS_Germline_v1.3.4, this variant is classified as Pathogenic. Following criteria are met: 0102 - Loss of function is a known mechanism of disease in this gene and is associated with hypertrophic cardiomyopathy 4 (HCM; MIM#115197). (I) 0108 - This gene is associated with both recessive and dominant disease. Dominant inheritance is frequently reported in adult onset conditions, however recessive inheritance results in a more severe early onset phenotype (OMIM). (I) 0115 - Variants in this gene are known to have variable expressivity (PMID: 32841044). (I) 0211 - Canonical splice site variant without proven consequence on splicing (no functional evidence available). (SP) 0251 - This variant is heterozygous. (I) 0301 - Variant is absent from gnomAD (both v2 and v3). (SP) 0311 - An alternative nucleotide change at the same canonical splice site, is present in gnomAD (v2) at a frequency of 0.000004 (1 heterozygote, 0 homozygotes). (I) 0703 - Other canonical splice site variants comparable to the one identified in this case have moderate previous evidence for pathogenicity. Two alternative changes in the same splice site (c.1090+1G>T and c.1090+1G>C) have reported in association with HCM (ClinVar, PMID: 20800588, 20624503, 26743238). (SP) 0801 - This variant has strong previous evidence of pathogenicity in unrelated individuals. This variant has been reported in multiple individuals with HCM (ClinVar, PMID: 16858239, 18533079, 23396983). (SP) 0905 - No published segregation evidence has been identified for this variant. (I) 1007 - No published functional evidence has been identified for this variant. (I) 1208 - Inheritance information for this variant is not currently available in this individual. (I) Legend: (SP) - Supporting pathogenic, (I) - Information, (SB) - Supporting benign

Ambry Genetics
Classification: Pathogenic for Cardiovascular phenotype. Last evaluated: 2019-03-26. Review status: criteria provided, single submitter. Criteria: Ambry Variant Classification Scheme 2023. Collection method: clinical testing. Allele origin: germline.
Comment: The c.1090+1G>A intronic pathogenic mutation results from a G to A substitution one nucleotide after coding exon 12 of the MYBPC3 gene. This variant (also known as IVS12+1G>A) has been reported in multiple hypertrophic cardiomyopathy (HCM) cohorts and HCM testing cohorts, although clinical details were limited in some cases (Girolami F et al. J Cardiovasc Med (Hagerstown), 2006 Aug;7:601-7; Olivotto I et al. Mayo Clin. Proc., 2008 Jun;83:630-8; Lopes LR et al. J. Med. Genet., 2013 Apr;50:228-39; Walsh R et al. Genet. Med., 2017 02;19:192-203). Additional variants impacting this donor splice site, c.1090+1G>T and c.1090+1G>C, have also been reported in individuals with HCM (Walsh R et al. Genet. Med., 2017 02;19:192-203; Millat G et al. Clin. Chim. Acta, 2010 Dec;411:1983-91). In addition to the clinical data presented in the literature, alterations that disrupt the canonical splice site are expected to cause aberrant splicing, resulting in an abnormal protein or a transcript that is subject to nonsense-mediated mRNA decay. As such, this alteration is classified as a disease-causing mutation.

Laboratory for Molecular Medicine, Mass General Brigham Personalized Medicine
Classification: Pathogenic for Hypertrophic cardiomyopathy. Last evaluated: 2013-03-04. Review status: no assertion criteria provided. Collection method: clinical testing. Allele origin: germline. Inheritance: Autosomal dominant inheritance. Observed: 1 variant allele. Not counted in ClinVar's aggregate classification.
Comment: proposed classification - variant undergoing re-assessment, contact laboratory

Diagnostic Laboratory, Department of Genetics, University Medical Center Groningen
Classification: Pathogenic. Review status: no assertion criteria provided. Collection method: clinical testing. Allele origin: germline. Affected: yes. Study: VKGL Data-share Consensus. Not counted in ClinVar's aggregate classification.

Joint Genome Diagnostic Labs from Nijmegen and Maastricht, Radboudumc and MUMC+
Classification: Likely pathogenic. Review status: no assertion criteria provided. Collection method: clinical testing. Allele origin: germline. Affected: yes. Study: VKGL Data-share Consensus. Not counted in ClinVar's aggregate classification.

Literature cited by the submitters: PubMed 16858239 (cited by 4 submitters); PubMed 16199547 (cited by Labcorp Genetics (formerly Invitae), Labcorp); PubMed 19574547 (cited by Labcorp Genetics (formerly Invitae), Labcorp); PubMed 27532257 (cited by Labcorp Genetics (formerly Invitae), Labcorp and Ambry Genetics); PubMed 22112859 (cited by Labcorp Genetics (formerly Invitae), Labcorp); PubMed 22989827 (cited by Labcorp Genetics (formerly Invitae), Labcorp); PubMed 26914223 (cited by Labcorp Genetics (formerly Invitae), Labcorp); PubMed 18533079 (cited by Victorian Clinical Genetics Services, Murdoch Childrens Research Institute and Ambry Genetics); PubMed 20624503 (cited by Victorian Clinical Genetics Services, Murdoch Childrens Research Institute); PubMed 20800588 (cited by Victorian Clinical Genetics Services, Murdoch Childrens Research Institute and Ambry Genetics); PubMed 23396983 (cited by Victorian Clinical Genetics Services, Murdoch Childrens Research Institute and Ambry Genetics); PubMed 26743238 (cited by Victorian Clinical Genetics Services, Murdoch Childrens Research Institute); PubMed 32841044 (cited by Victorian Clinical Genetics Services, Murdoch Childrens Research Institute); PubMed 25351510 (cited by Ambry Genetics).